The following is an entry in ClinVar:

ClinVar aggregate classification (germline): Uncertain significance (1 of 4 stars; one submission).

Conditions:
Familial thoracic aortic aneurysm and aortic dissection (TAAD). Also called: Thoracic aortic aneurysms and dissections. Identifiers: Orphanet 91387, MedGen C4707243, MONDO:0019625.

Submission:

Labcorp Genetics (formerly Invitae), Labcorp
Classification: Uncertain significance for Familial thoracic aortic aneurysm and aortic dissection. Last evaluated: 2023-08-30. Review status: criteria provided, single submitter. Criteria: Invitae Variant Classification Sherloc (09022015). Collection method: clinical testing. Allele origin: germline.
Comment: This sequence change replaces histidine, which is basic and polar, with asparagine, which is neutral and polar, at codon 126 of the SMAD3 protein (p.His126Asn). This variant is not present in population databases (gnomAD no frequency). This variant has not been reported in the literature in individuals affected with SMAD3-related conditions. Advanced modeling of protein sequence and biophysical properties (such as structural, functional, and spatial information, amino acid conservation, physicochemical variation, residue mobility, and thermodynamic stability) performed at Invitae indicates that this missense variant is expected to disrupt SMAD3 protein function. In summary, the available evidence is currently insufficient to determine the role of this variant in disease. Therefore, it has been classified as a Variant of Uncertain Significance.

NM_005902.4(SMAD3):c.376C>A (p.His126Asn)

Gene: SMAD3 (SMAD family member 3; plus strand). Cytogenetic location: 15q22.33.
Variant type: single nucleotide variant.
Coding change: c.376C>A on transcript NM_005902.4 (MANE Select); coding-DNA position 376, C replaced by A.
Protein change: p.His126Asn; replaces histidine 126 with asparagine.
Molecular consequence: missense variant.
Genome position (GRCh38, 1-based): chr15:67,165,064, C>A. VCF-style: chr15-67165064-C-A. GRCh37 (hg19) VCF-style: chr15-67457402-C-A.
Other names: c.61C>A, p.His21Asn (NM_001145102.2, NM_001407015.1, NM_001407016.1); c.244C>A, p.His82Asn (NM_001145103.2); c.376C>A, p.His126Asn (NM_001407011.1, NM_001407012.1, NM_001407013.1); c.229C>A, p.His77Asn (NM_001407014.1); short protein forms H21N, H126N, H77N, H82N.
Identifiers: ClinVar variation 2862962 (VCV002862962.3), dbSNP rs886038771, ClinGen allele CA392954161.